The following is an entry in ClinVar:

ClinVar aggregate classification (germline): Pathogenic (1 of 4 stars; one submission).

Conditions:
Neuropathy, hereditary motor and sensory, type 6B (HMSN6B). Also called: HMSN VIB; CHARCOT-MARIE-TOOTH DISEASE, TYPE 6B; NEUROPATHY, HEREDITARY MOTOR AND SENSORY, TYPE VIB, WITH OPTIC ATROPHY; Neuropathy, hereditary motor and sensory, type VIB. Identifiers: MedGen C4225302, MONDO:0014671, OMIM 616505.

Submission:

Labcorp Genetics (formerly Invitae), Labcorp
Classification: Pathogenic for Neuropathy, hereditary motor and sensory, type 6B. Last evaluated: 2019-01-20. Review status: criteria provided, single submitter. Criteria: Invitae Variant Classification Sherloc (09022015). Collection method: clinical testing. Allele origin: germline.
Comment: For these reasons, this variant has been classified as Pathogenic. Loss-of-function variants in SLC25A46 are known to be pathogenic (PMID: 26168012, 26951855, 27543974). This variant has not been reported in the literature in individuals with SLC25A46-related conditions. This variant is not present in population databases (ExAC no frequency). This sequence change creates a premature translational stop signal (p.Pro62Leufs*32) in the SLC25A46 gene. It is expected to result in an absent or disrupted protein product.

Literature cited by the submitters: PubMed 26168012; PubMed 26951855; PubMed 27543974.

NM_138773.4(SLC25A46):c.185_189del (p.Pro62fs)

Gene: SLC25A46 (solute carrier family 25 member 46; plus strand). Cytogenetic location: 5q22.1.
Variant type: Deletion.
Coding change: c.185_189del on transcript NM_138773.4 (MANE Select); coding-DNA positions 185 to 189, 5 bases deleted (CGCCC; older notation c.185_189delCGCCC).
Protein change: p.Pro62fs; shifts the reading frame from proline 62.
Molecular consequence: frameshift variant. On other transcripts: non-coding transcript variant (1), intron variant (1).
Genome position (GRCh38, 1-based): chr5:110,739,304-110,739,308, CGCCC deleted; deleting any 5 consecutive bases within chr5:110,739,302-110,739,308 gives the same sequence; the c. name uses the placement nearest the transcript's 3' end. VCF-style (leftmost placement, unchanged base first): chr5-110739301-GCCCGC-G. GRCh37 (hg19) VCF-style: chr5-110075002-GCCCGC-G.
Other names: c.185_189del, p.Pro62fs (NM_001303249.3); c.10+1057_10+1061del (NM_001303250.3); short protein forms P62fs.
Identifiers: ClinVar variation 834307 (VCV000834307.8), dbSNP rs1799544883, ClinGen allele CA916082750.
Genomic context (GRCh38, chr5:110,739,301, plus strand): 5'-ACTGGGTGACGACTCCCCCAGATATCCCCGGCAGCCGCAACCTGCACTGGGGCGAGAAGA[GCCCGC>G]CCTACGGCGTGCCCACCACCTCCACCCCGTACGAAGGCCCCACGGAGGAACCCTTTTCCA-3'